The following is an entry in ClinVar:

NM_000784.4(CYP27A1):c.1029G>A (p.Thr343=)

Gene: CYP27A1 (cytochrome P450 family 27 subfamily A member 1; plus strand). Cytogenetic location: 2q35.
Variant type: single nucleotide variant.
Coding change: c.1029G>A on transcript NM_000784.4 (MANE Select); coding-DNA position 1029, G replaced by A.
Protein change: p.Thr343=; no amino-acid change (threonine 343 retained).
Molecular consequence: synonymous variant.
Genome position (GRCh38, 1-based): chr2:218,814,032, G>A. VCF-style: chr2-218814032-G-A. GRCh37 (hg19) VCF-style: chr2-219678755-G-A.
Identifiers: ClinVar variation 586207 (VCV000586207.14), dbSNP rs771343931, ClinGen allele CA2112787.
Genomic context (GRCh38, chr2:218,814,032, plus strand): 5'-CCTCTTTCCTAGAAATCGCCCTCACCTGATCTCCCACTCTATCTTCTAGACATCCAACAC[G>A]CTGACATGGGCCCTGTACCACCTCTCAAAGGACCCTGAGATCCAGGAGGCCTTGCACGAG-3'
Protein context (NP_000775.1, residues 333-353): LMAGVDTTSN[Thr343=]LTWALYHLSK

ClinVar aggregate classification (germline): Likely benign. Review status: criteria provided, multiple submitters, no conflicts (2 of 4 stars). 5 submissions from 5 submitters: Likely benign (4). 1 of the submissions does not count toward it. Last evaluated 2025-10-06.

Conditions:
Cholestanol storage disease (CTX). Also called: CEREBRAL CHOLESTERINOSIS; CTX: Cerebrotendinous xanthomatosis; Cerebrotendinous Xanthomatosis. Identifiers: Orphanet 909, MedGen C0238052, MONDO:0008948, OMIM 213700.
CYP27A1-related disorder. Also called: CYP27A1-related condition.
Cardiovascular phenotype. Identifiers: MedGen CN230736.

Allele frequency attached by ClinVar (database versions not stated): gnomAD 0.00002; ExAC 0.00006.
gnomAD v4.1: 22 of 1,613,978 alleles (0.0014%); highest among the groups gnomAD compares: East Asian, 0.0022%; no homozygotes.

Submissions (5):

Labcorp Genetics (formerly Invitae), Labcorp
Classification: Likely benign for Cholestanol storage disease. Last evaluated: 2025-10-06. Review status: criteria provided, single submitter. Criteria: Invitae Variant Classification Sherloc (09022015). Collection method: clinical testing. Allele origin: germline.

Blueprint Genetics
Classification: Likely benign. Last evaluated: 2024-02-02. Review status: criteria provided, single submitter. Criteria: ACMG Guidelines, 2015. Collection method: clinical testing. Allele origin: germline.

Ambry Genetics
Classification: Likely benign for Cardiovascular phenotype. Last evaluated: 2020-02-12. Review status: criteria provided, single submitter. Criteria: Ambry Variant Classification Scheme 2023. Collection method: clinical testing. Allele origin: germline.

Athena Diagnostics
Classification: Likely benign. Last evaluated: 2018-06-13. Review status: criteria provided, single submitter. Criteria: Athena Diagnostics Criteria. Collection method: clinical testing. Allele origin: germline.

PreventionGenetics, part of Exact Sciences
Classification: Likely benign for CYP27A1-related condition. Last evaluated: 2024-04-26. Review status: no assertion criteria provided. Collection method: clinical testing. Allele origin: germline. Not counted in ClinVar's aggregate classification.
Comment: This variant is classified as likely benign based on ACMG/AMP sequence variant interpretation guidelines (Richards et al. 2015 PMID: 25741868, with internal and published modifications).